The following is an entry in ClinVar:

NM_032578.4(MYPN):c.444del (p.Val149fs)

Gene: MYPN (myopalladin; plus strand). Cytogenetic location: 10q21.3.
Variant type: Deletion.
Coding change: c.444del on transcript NM_032578.4 (MANE Select); coding-DNA position 444, one base deleted (A; older notation c.444delA).
Protein change: p.Val149fs; shifts the reading frame from valine 149.
Molecular consequence: frameshift variant. On other transcripts: 5 prime UTR variant (1), non-coding transcript variant (1).
Genome position (GRCh38, 1-based): chr10:68,121,882, A deleted; the last of 6 consecutive A bases (chr10:68,121,877-68,121,882); deleting any one gives the same sequence. VCF-style (leftmost placement, unchanged base first): chr10-68121876-CA-C. GRCh37 (hg19) VCF-style: chr10-69881633-CA-C.
Other names: c.444del, p.Val149fs (NM_001256267.2); c.-679del (NM_001256268.2); c.444delA (NM_032578.4); short protein forms V149fs.
Identifiers: ClinVar variation 4853603 (VCV004853603.1).
Genomic context (GRCh38, chr10:68,121,876, plus strand): 5'-CAGCTCTAAAGAAAGCCCCCAGGAGGCAAAAAGGCCACAGTATTGTTCTGAAACCCAGTC[CA>C]AAAAAGTATTTTTAAATAAGGCTGCCGACTTCATTGAAGAGCTATCCTCCCTTTTCAAAT-3'

ClinVar aggregate classification (germline): Pathogenic (1 of 4 stars; one submission).

Conditions:
MYPN-related myopathy (CMYO24). Also called: Nemaline myopathy 11, autosomal recessive. Identifiers: MedGen C4479186, MONDO:0015023, OMIM 617336.

Submission:

Women's Health and Genetics/Laboratory Corporation of America, LabCorp
Classification: Pathogenic for MYPN-related myopathy. Last evaluated: 2026-05-27. Review status: criteria provided, single submitter. Criteria: LabCorp Variant Classification Summary - May 2015. Collection method: clinical testing. Allele origin: germline.
Comment: Variant summary: MYPN c.444delA (p.Val149TyrfsX3) results in a premature termination codon, predicted to cause a truncation of the encoded protein or absence of the protein due to nonsense mediated decay, which are commonly known mechanisms for disease. The variant was absent in 251242 control chromosomes. To our knowledge, no occurrence of c.444delA in individuals affected with MYPN-related conditions and no experimental evidence demonstrating its impact on protein function have been reported. No submitters have cited clinical-significance assessments for this variant to ClinVar. Based on the evidence outlined above, the variant was classified as pathogenic.